The following is an entry in ClinVar:

NM_000264.5(PTCH1):c.3058C>T (p.Gln1020Ter)

Gene: PTCH1 (patched 1; minus strand). Cytogenetic location: 9q22.32.
Variant type: single nucleotide variant.
Coding change: c.3058C>T on transcript NM_000264.5 (MANE Select); coding-DNA position 3058, C replaced by T.
Protein change: p.Gln1020Ter; replaces glutamine 1020 with a stop codon.
Molecular consequence: nonsense. On other transcripts: non-coding transcript variant (1).
Genome position (GRCh38, 1-based): chr9:95,458,123, G>A on the plus strand (C>T on the coding strand, the complement: PTCH1 is on the minus strand). VCF-style: chr9-95458123-G-A. GRCh37 (hg19) VCF-style: chr9-98220405-G-A.
Other names: c.2860C>T, p.Gln954Ter (NM_001083602.3); c.3055C>T, p.Gln1019Ter (NM_001083603.3); c.2605C>T, p.Gln869Ter (NM_001083604.3, NM_001083605.3, NM_001083606.3 and 1 more transcripts); c.2902C>T, p.Gln968Ter (NM_001354918.2); short protein forms Q1019*, Q1020*, Q869*, Q954*, Q968*.
Identifiers: ClinVar variation 1070415 (VCV001070415.9), dbSNP rs1839114207, ClinGen allele CA374112477.
Genomic context (GRCh38, chr9:95,458,123, plus strand): 5'-ATGTGCAGGCCAACACCACGCTGATGAACAGCAGCAGCCAGTGGCGGAGGCCGATGTACT[G>A]CTCCCAGAAGAGGAAGGGGTAGCCGTTGGGGTAACTGGACAGCCCCAGGCTCGTATAGTT-3'

ClinVar aggregate classification (germline): Pathogenic (1 of 4 stars; one submission).

Conditions:
Gorlin syndrome. Also called: Nevoid Basal Cell Carcinoma Syndrome; Basal cell nevus syndrome. Identifiers: Orphanet 377, MedGen C0004779, MONDO:0007187.

Submission:

Labcorp Genetics (formerly Invitae), Labcorp
Classification: Pathogenic for Gorlin syndrome. Last evaluated: 2022-08-22. Review status: criteria provided, single submitter. Criteria: Invitae Variant Classification Sherloc (09022015). Collection method: clinical testing. Allele origin: germline.
Comment: This sequence change creates a premature translational stop signal (p.Gln1020*) in the PTCH1 gene. It is expected to result in an absent or disrupted protein product. Loss-of-function variants in PTCH1 are known to be pathogenic (PMID: 16301862, 16419085). For these reasons, this variant has been classified as Pathogenic. ClinVar contains an entry for this variant (Variation ID: 1070415). This premature translational stop signal has been observed in individual(s) with basal cell nevus syndrome (PMID: 21368767). This variant is not present in population databases (gnomAD no frequency).

Literature cited by the submitters: PubMed 16301862; PubMed 16419085; PubMed 21368767.